The following is an entry in ClinVar:

ClinVar aggregate classification (germline): Uncertain significance. Review status: criteria provided, multiple submitters, no conflicts (2 of 4 stars). 3 submissions from 3 submitters: Uncertain significance (3). Last evaluated 2023-10-25.

Conditions:
Inborn genetic diseases. Identifiers: MedGen C0950123, MeSH D030342.
Hereditary spastic paraplegia 48. Also called: Spastic paraplegia 48; SPASTIC PARAPLEGIA 48, AUTOSOMAL RECESSIVE. Identifiers: Orphanet 306511, MedGen C3150901, MONDO:0013342, OMIM 613647.

Allele frequency attached by ClinVar (database versions not stated): ExAC below 0.00001; gnomAD 0.00005 and 0.00006; gnomAD exomes 0.00005 and 0.00013; TOPMed 0.00006.
gnomAD v4.1: 80 of 1,549,160 alleles (0.0052%); highest among the groups gnomAD compares: East Asian, 0.093%; no homozygotes.

Submissions (3):

Ambry Genetics
Classification: Uncertain significance for Inborn genetic diseases. Last evaluated: 2023-10-25. Review status: criteria provided, single submitter. Criteria: Ambry Variant Classification Scheme 2023. Collection method: clinical testing. Allele origin: germline.

Labcorp Genetics (formerly Invitae), Labcorp
Classification: Uncertain significance for Hereditary spastic paraplegia 48. Last evaluated: 2022-07-14. Review status: criteria provided, single submitter. Criteria: Invitae Variant Classification Sherloc (09022015). Collection method: clinical testing. Allele origin: germline.
Comment: This sequence change replaces threonine, which is neutral and polar, with methionine, which is neutral and non-polar, at codon 202 of the AP5Z1 protein (p.Thr202Met). This variant is present in population databases (rs756182519, gnomAD 0.1%). This variant has not been reported in the literature in individuals affected with AP5Z1-related conditions. ClinVar contains an entry for this variant (Variation ID: 910689). Algorithms developed to predict the effect of missense changes on protein structure and function are either unavailable or do not agree on the potential impact of this missense change (SIFT: "Tolerated"; PolyPhen-2: "Possibly Damaging"; Align-GVGD: "Class C0"). In summary, the available evidence is currently insufficient to determine the role of this variant in disease. Therefore, it has been classified as a Variant of Uncertain Significance.

Illumina Laboratory Services, Illumina
Classification: Uncertain significance for Hereditary spastic paraplegia 48. Last evaluated: 2017-04-27. Review status: criteria provided, single submitter. Criteria: ICSL Variant Classification Criteria 13 December 2019. Collection method: clinical testing. Allele origin: germline.

NM_014855.3(AP5Z1):c.605C>T (p.Thr202Met)

Gene: AP5Z1 (adaptor related protein complex 5 subunit zeta 1; plus strand). Cytogenetic location: 7p22.1.
Variant type: single nucleotide variant.
Coding change: c.605C>T on transcript NM_014855.3 (MANE Select); coding-DNA position 605, C replaced by T.
Protein change: p.Thr202Met; replaces threonine 202 with methionine.
Molecular consequence: missense variant. On other transcripts: non-coding transcript variant (1).
Genome position (GRCh38, 1-based): chr7:4,783,782, C>T. VCF-style: chr7-4783782-C-T. GRCh37 (hg19) VCF-style: chr7-4823413-C-T.
Other names: c.137C>T, p.Thr46Met (NM_001364858.1); short protein forms T46M, T202M.
Identifiers: ClinVar variation 910689 (VCV000910689.6), dbSNP rs756182519, ClinGen allele CA4137273.
Genomic context (GRCh38, chr7:4,783,782, plus strand): 5'-ACTGGCTGCGCTACGCCAGCCTCCAGCAAGGGCTCCCACACTCCGGCGGCTTCTTCTCCA[C>T]GCCCAGGGCCCGGCAGGTGAGGCTGGGACTGTTCTGGAACCATGGGGAACAGAGTCACAG-3'
Protein context (NP_055670.1, residues 192-212): GLPHSGGFFS[Thr202Met]PRARQPGPVT